The following is an entry in ClinVar:

NM_001165963.4(SCN1A):c.1091G>T (p.Ser364Ile)

Gene: SCN1A (sodium voltage-gated channel alpha subunit 1; minus strand). Cytogenetic location: 2q24.3.
Variant type: single nucleotide variant.
Coding change: c.1091G>T on transcript NM_001165963.4 (MANE Select); coding-DNA position 1091, G replaced by T.
Protein change: p.Ser364Ile; replaces serine 364 with isoleucine.
Molecular consequence: missense variant. On other transcripts: 5 prime UTR variant (1), non-coding transcript variant (1).
Genome position (GRCh38, 1-based): chr2:166,047,706, C>A on the plus strand (G>T on the coding strand, the complement: SCN1A is on the minus strand). VCF-style: chr2-166047706-C-A. GRCh37 (hg19) VCF-style: chr2-166904216-C-A.
Other names: c.1091G>T, p.Ser364Ile (NM_001165964.3, NM_001202435.3, NM_001353948.2 and 10 more transcripts); c.-1335G>T (NM_001353961.2); short protein forms S364I.
Identifiers: ClinVar variation 499554 (VCV000499554.38), dbSNP rs752775574, ClinGen allele CA349071270.
Genomic context (GRCh38, chr2:166,047,706, plus strand): 5'-CAGAAGTCCTGAGTCATTAGTCGAAACAAGGACAAAAAAGCCCAACTGAAGGTATCAAAG[C>A]TTGTGTAGCCATAATTGGGATTTCTACCAGCTTTCACACACATATATCCCTCTGGACATT-3'
Protein context (NP_001159435.1, residues 354-374): AGRNPNYGYT[Ser364Ile]FDTFSWAFLS

ClinVar aggregate classification (germline): Conflicting classifications of pathogenicity. Review status: criteria provided, conflicting classifications (1 of 4 stars). 2 submissions from 2 submitters: Likely pathogenic (1); Uncertain significance (1). Last evaluated 2022-03-01.

Submissions (2):

CeGaT Center for Human Genetics Tuebingen
Classification: Likely pathogenic. Last evaluated: 2022-03-01. Review status: criteria provided, single submitter. Criteria: CeGaT Center For Human Genetics Tuebingen Variant Classification Criteria Version 2. Collection method: clinical testing. Allele origin: germline. Affected: yes. Observed: 1 variant allele.
Comment: SCN1A: PM1, PM2, PM5, PP2, PP3

Eurofins Ntd Llc (ga)
Classification: Uncertain significance. Last evaluated: 2017-01-31. Review status: criteria provided, single submitter. Criteria: EGL Classification Definitions 2015. Collection method: clinical testing. Allele origin: germline. Observed: 1 variant allele, 1 heterozygote.